The following is an entry in ClinVar:

NM_001122630.2(CDKN1C):c.504_521del (p.168_169AP[5])

Gene: CDKN1C (cyclin dependent kinase inhibitor 1C; minus strand). Cytogenetic location: 11p15.4.
Variant type: Deletion.
Coding change: c.504_521del on transcript NM_001122630.2 (MANE Select); coding-DNA positions 504 to 521, 18 bases deleted (CCCGGCCCCGGCCCCGGC).
Protein change: p.168_169AP[5].
Molecular consequence: inframe deletion. On other transcripts: intron variant (1).
Genome position (GRCh38, 1-based): chr11:2,884,936-2,884,953, GCCGGGGCCGGGGCCGGG deleted on the plus strand (CCCGGCCCCGGCCCCGGC on the coding strand, the reverse complement: CDKN1C is on the minus strand); deleting any 18 consecutive bases within chr11:2,884,936-2,884,956 gives the same sequence; the c. name uses the placement nearest the transcript's 3' end. VCF-style (leftmost placement, unchanged base first): chr11-2884935-AGCCGGGGCCGGGGCCGGG-A. GRCh37 (hg19) VCF-style: chr11-2906165-AGCCGGGGCCGGGGCCGGG-A.
Other names: c.537_554delCCCGGCCCCGGCCCCGGC (NM_000076.2); c.537_554del, p.179_180AP[5] (NM_000076.2, NM_001362474.2, LRG_533t1); c.504_521del, p.168_169AP[5] (NM_001122631.2); c.255+249_255+266del (NM_001362475.2); c.537_554del18 (NM_000076.2).
Identifiers: ClinVar variation 412854 (VCV000412854.14), dbSNP rs878853629, ClinGen allele CA16613346.

ClinVar aggregate classification (germline): Likely benign. Review status: criteria provided, multiple submitters, no conflicts (2 of 4 stars). 3 submissions from 3 submitters: Likely benign (2). 1 of the submissions does not count toward it. Last evaluated 2025-12-23.

Conditions:
CDKN1C-related disorder. Also called: CDKN1C-related condition.
Beckwith-Wiedemann syndrome (BWS). Also called: EMG SYNDROME; Exomphalos macroglossia gigantism syndrome. Identifiers: Orphanet 116, MedGen C0004903, MONDO:0007534, OMIM 130650.

Submissions (3):

Labcorp Genetics (formerly Invitae), Labcorp
Classification: Likely benign for Beckwith-Wiedemann syndrome. Last evaluated: 2025-12-23. Review status: criteria provided, single submitter. Criteria: Invitae Variant Classification Sherloc (09022015). Collection method: clinical testing. Allele origin: germline.

Blueprint Genetics
Classification: Likely benign. Last evaluated: 2024-08-26. Review status: criteria provided, single submitter. Criteria: ACMG Guidelines, 2015. Collection method: clinical testing. Allele origin: germline.

PreventionGenetics, part of Exact Sciences
Classification: Likely benign for CDKN1C-related condition. Last evaluated: 2023-04-22. Review status: no assertion criteria provided. Collection method: clinical testing. Allele origin: germline. Not counted in ClinVar's aggregate classification.
Comment: This variant is classified as likely benign based on ACMG/AMP sequence variant interpretation guidelines (Richards et al. 2015 PMID: 25741868, with internal and published modifications).